The following is an entry in ClinVar:

ClinVar aggregate classification (germline): not provided (0 of 4 stars; one submission).

Conditions:
Preeclampsia. Identifiers: Orphanet 275555, MedGen C0032914, MONDO:0005081, HP:0100602.

Submission:

Institute of Molecular and Cell Biology, University of Tartu
No classification provided. Condition: Preeclampsia. Review status: no classification provided. Collection method: case-control. Allele origin: unknown. Affected: yes. Study: Kasak2014.
Comment: The study aimed to determine the contribution of copy number variants in the genetic etiology of normal and complicated pregnancies. The samples represented (i) maternal blood DNA drawn from healthy pregnant women during 1st or 2nd trimester and (ii) maternal and paternal blood DNA drawn at term pregnancy cases representing normal and complicated gestations (severe preeclampsia, PE; gestational diabetes, GD; small-for-gestational age newborn, SGA; large-for-gestational age newborn, LGA). We performed CNV calling based on genome-wide genotyping dataset (Illumina HumanOmniExpress-24-v1 BeadChip) by applying three algorithms, QuantiSNP, GADA (Genome Alteration Detection Algorithm) and CNstream in parallel. The acquired CNV calls were merged with HD-CNV (Hotspot Detector for Copy Number Variants) program and only the CNVs predicted by at least two programs, were considered in subsequent analysis.

Literature cited by the submitters: PubMed 25666259.

Single allele

Variant type: Duplication.
Identifiers: ClinVar variation 157056 (VCV000157056.2).